The following is an entry in ClinVar:

ClinVar aggregate classification (germline): Uncertain significance (1 of 4 stars; one submission).

Submission:

Labcorp Genetics (formerly Invitae), Labcorp
Classification: Uncertain significance. Last evaluated: 2022-07-05. Review status: criteria provided, single submitter. Criteria: Invitae Variant Classification Sherloc (09022015). Collection method: clinical testing. Allele origin: germline.
Comment: A copy number gain of the genomic region encompassing the full coding sequence of the YWHAG gene has been identified. The boundaries of this event are unknown as they extend beyond the assayed region for this gene and therefore may encompass additional genes. As the precise location of this event is unknown, it may be in tandem or it may be located elsewhere in the genome. This variant has not been reported in the literature in individuals affected with YWHAG-related conditions. Experimental studies and prediction algorithms are not available or were not evaluated, and the functional significance of this variant is currently unknown. In summary, the available evidence is currently insufficient to determine the role of this variant in disease. Therefore, it has been classified as a Variant of Uncertain Significance.

NC_000007.13:g.(?_75583311)_(75988125_?)dup

Genes: STYXL1 (serine/threonine/tyrosine interacting like 1; minus strand), TMEM120A (transmembrane protein 120A; minus strand), YWHAG (tyrosine 3-monooxygenase/tryptophan 5-monooxygenase activation protein gamma; minus strand), HSPB1 (heat shock protein family B (small) member 1; plus strand), MDH2 (malate dehydrogenase 2; plus strand) and 2 more. Cytogenetic location: 7q11.23.
Variant type: Duplication.
Identifiers: ClinVar variation 2425825 (VCV002425825.3).